The following is an entry in ClinVar:

NM_001374828.1(ARID1B):c.1164C>T (p.Gly388=)

Gene: ARID1B (AT-rich interaction domain 1B; plus strand). Cytogenetic location: 6q25.3.
Variant type: single nucleotide variant.
Coding change: c.1164C>T on transcript NM_001374828.1 (MANE Select); coding-DNA position 1164, C replaced by T.
Protein change: p.Gly388=; no amino-acid change (glycine 388 retained).
Molecular consequence: synonymous variant.
Genome position (GRCh38, 1-based): chr6:156,778,844, C>T. VCF-style: chr6-156778844-C-T. GRCh37 (hg19) VCF-style: chr6-157099978-C-T.
Other names: c.1164C>T, p.Gly388= (NM_001371656.1, NM_001374820.1, NM_001438482.1 and 9 more transcripts); c.915C>T (NM_020732.3).
Identifiers: ClinVar variation 5002485 (VCV005002485.1).

ClinVar aggregate classification (germline): Likely benign (1 of 4 stars; one submission).

Conditions:
ARID1B-Related Disorder. Identifiers: MedGen CN381337.

Submission:

PreventionGenetics, part of Exact Sciences
Classification: Likely benign for ARID1B-related condition. Last evaluated: 2024-12-16. Review status: criteria provided, single submitter. Criteria: ACMG Guidelines, 2015. Collection method: clinical testing. Allele origin: germline.
Comment: This variant is classified as likely benign based on ACMG/AMP sequence variant interpretation guidelines (Richards et al. 2015 PMID: 25741868, with internal and published modifications).